The following is an entry in ClinVar:

NM_032193.4(RNASEH2C):c.417C>G (p.Gly139=)

Gene: RNASEH2C (ribonuclease H2 subunit C; minus strand). Cytogenetic location: 11q13.1.
Variant type: single nucleotide variant.
Coding change: c.417C>G on transcript NM_032193.4 (MANE Select); coding-DNA position 417, C replaced by G.
Protein change: p.Gly139=; no amino-acid change (glycine 139 retained).
Molecular consequence: synonymous variant.
Genome position (GRCh38, 1-based): chr11:65,720,096, G>C on the plus strand (C>G on the coding strand, the complement: RNASEH2C is on the minus strand). VCF-style: chr11-65720096-G-C. GRCh37 (hg19) VCF-style: chr11-65487567-G-C.
Other names: p.Gly139=.
Identifiers: ClinVar variation 305361 (VCV000305361.53), dbSNP rs147021687, ClinGen allele CA6107694.

ClinVar aggregate classification (germline): Conflicting classifications of pathogenicity. Review status: criteria provided, conflicting classifications (1 of 4 stars). 7 submissions from 7 submitters: Uncertain significance (1); Benign (2); Likely benign (3). 1 of the submissions does not count toward it. Last evaluated 2026-04-01.

Conditions:
Aicardi-Goutieres syndrome 3. Identifiers: Orphanet 51, MedGen C1835916, MONDO:0012471, OMIM 610329.

Allele frequency attached by ClinVar (database versions not stated): 1000 Genomes Project 30x 0.00031; 1000 Genomes Project 0.00040; TOPMed 0.00062; ESP Exome Variant Server 0.00123; gnomAD exomes 0.00134 and 0.00241; ExAC 0.00210; gnomAD 0.00218 and 0.00229.
gnomAD v4.1: 2,275 of 1,614,208 alleles (0.14%); highest among the groups gnomAD compares: Non-Finnish European, 0.085%; 16 homozygotes.

Submissions (7):

CeGaT Center for Human Genetics Tuebingen
Classification: Likely benign. Last evaluated: 2026-04-01. Review status: criteria provided, single submitter. Criteria: CeGaT Center For Human Genetics Tuebingen Variant Classification Criteria Version 2. Collection method: clinical testing. Allele origin: germline. Affected: yes. Observed: 10 variant alleles.
Comment: RNASEH2C: BP4, BP7

Labcorp Genetics (formerly Invitae), Labcorp
Classification: Benign for Aicardi-Goutieres syndrome 3. Last evaluated: 2026-01-19. Review status: criteria provided, single submitter. Criteria: Invitae Variant Classification Sherloc (09022015). Collection method: clinical testing. Allele origin: germline.

Blueprint Genetics
Classification: Likely benign. Last evaluated: 2024-11-13. Review status: criteria provided, single submitter. Criteria: ACMG Guidelines, 2015. Collection method: clinical testing. Allele origin: germline.

Mayo Clinic Laboratories, Mayo Clinic
Classification: Benign. Last evaluated: 2024-11-04. Review status: criteria provided, single submitter. Criteria: ACMG Guidelines, 2015. Collection method: clinical testing. Allele origin: germline. Observed: 3 variant alleles.
Comment: BA1, BP4, BP7

Illumina Laboratory Services, Illumina
Classification: Uncertain significance for Aicardi-Goutieres syndrome 3. Last evaluated: 2018-01-13. Review status: criteria provided, single submitter. Criteria: ICSL Variant Classification Criteria 13 December 2019. Collection method: clinical testing. Allele origin: germline.

Clinical Genetics DNA and cytogenetics Diagnostics Lab, Erasmus MC, Erasmus Medical Center
Classification: Likely benign for Aicardi-Goutieres syndrome 3. Last evaluated: 2017-06-28. Review status: criteria provided, single submitter. Criteria: ACGS Guidelines, 2013. Collection method: clinical testing. Allele origin: germline. Affected: yes. Study: VKGL Data-share Consensus.

Diagnostic Laboratory, Department of Genetics, University Medical Center Groningen
Classification: Likely benign for Aicardi-Goutieres syndrome 3. Review status: no assertion criteria provided. Collection method: clinical testing. Allele origin: germline. Affected: yes. Study: VKGL Data-share Consensus. Not counted in ClinVar's aggregate classification.